The following is an entry in ClinVar:

ClinVar aggregate classification (germline): Uncertain significance (0 of 4 stars; one submission).

Conditions:
CLDN1-related disorder. Also called: CLDN1-related condition.

Submission:

PreventionGenetics, part of Exact Sciences
Classification: Uncertain significance for CLDN1-related condition. Last evaluated: 2024-02-06. Review status: no assertion criteria provided. Collection method: clinical testing. Allele origin: germline.
Comment: The CLDN1 c.188A>G variant is predicted to result in the amino acid substitution p.Gln63Arg. To our knowledge, this variant has not been reported in the literature or in a large population database, indicating this variant is rare. At this time, the clinical significance of this variant is uncertain due to the absence of conclusive functional and genetic evidence.

NM_021101.5(CLDN1):c.188A>G (p.Gln63Arg)

Genes: CLDN1 (claudin 1; minus strand), CLDN16 (claudin 16; plus strand). Cytogenetic location: 3q28.
Variant type: single nucleotide variant.
Coding change: c.188A>G on transcript NM_021101.5 (MANE Select); coding-DNA position 188, A replaced by G.
Protein change: p.Gln63Arg; replaces glutamine 63 with arginine.
Molecular consequence: missense variant. On other transcripts: intron variant (2).
Genome position (GRCh38, 1-based): chr3:190,322,019, T>C on the plus strand (A>G on the coding strand, the complement: CLDN1 is on the minus strand). VCF-style: chr3-190322019-T-C. GRCh37 (hg19) VCF-style: chr3-190039808-T-C.
Other names: c.-279+6960T>C (NM_001378492.1); c.-279+31428T>C (NM_001378493.1); short protein forms Q63R.
Identifiers: ClinVar variation 3045825 (VCV003045825.2), dbSNP rs1716937344, ClinGen allele CA355757910.